The following is an entry in ClinVar:

NM_000275.3(OCA2):c.*371G>C

Gene: OCA2 (OCA2 melanosomal transmembrane protein; minus strand). Cytogenetic location: 15q12.
Variant type: single nucleotide variant.
Coding change: c.*371G>C on transcript NM_000275.3 (MANE Select); 371 bases downstream of the stop codon, G replaced by C.
Molecular consequence: 3 prime UTR variant.
Genome position (GRCh38, 1-based): chr15:27,755,017, C>G on the plus strand (G>C on the coding strand, the complement: OCA2 is on the minus strand). VCF-style: chr15-27755017-C-G. GRCh37 (hg19) VCF-style: chr15-28000163-C-G.
Other names: c.*371G>C (NM_001300984.2).
Identifiers: ClinVar variation 888265 (VCV000888265.4), dbSNP rs112155098, ClinGen allele CA268293885.

ClinVar aggregate classification (germline): Uncertain significance (1 of 4 stars; one submission).

Conditions:
Tyrosinase-positive oculocutaneous albinism (OCA2). Also called: Albinism, oculocutaneous, type II; ALBINISM II; Oculocutaneous albinism type 2. Identifiers: Orphanet 79432, MedGen C0268495, MONDO:0008746, OMIM 203200.

Allele frequency attached by ClinVar (database versions not stated): gnomAD exomes 0.00031; TOPMed 0.00037.
gnomAD v4.1: 88 of 250,420 alleles (0.035%); highest among the groups gnomAD compares: Non-Finnish European, 0.055%; no homozygotes.

Submission:

Illumina Laboratory Services, Illumina
Classification: Uncertain significance for Tyrosinase-positive oculocutaneous albinism. Last evaluated: 2017-04-27. Review status: criteria provided, single submitter. Criteria: ICSL Variant Classification Criteria 13 December 2019. Collection method: clinical testing. Allele origin: germline.
Comment: This variant was observed as part of a predisposition screen in an ostensibly healthy population. A literature search was performed for the gene, cDNA change, and amino acid change (where applicable). Publications were found based on this search. However, the evidence from the literature, in combination with allele frequency data from public databases where available, was not sufficient to rule this variant in or out of causing disease. Therefore, this variant is classified as a variant of unknown significance.

Literature cited by the submitters: PubMed 25060099.